The following is an entry in ClinVar:

NM_021224.6(ZNF462):c.3076A>G (p.Thr1026Ala)

Gene: ZNF462 (zinc finger protein 462; plus strand). Cytogenetic location: 9q31.2.
Variant type: single nucleotide variant.
Coding change: c.3076A>G on transcript NM_021224.6 (MANE Select); coding-DNA position 3076, A replaced by G.
Protein change: p.Thr1026Ala; replaces threonine 1026 with alanine.
Molecular consequence: missense variant.
Genome position (GRCh38, 1-based): chr9:106,926,988, A>G. VCF-style: chr9-106926988-A-G. GRCh37 (hg19) VCF-style: chr9-109689269-A-G.
Other names: c.3076A>G, p.Thr1026Ala (NM_001347997.2); short protein forms T1026A.
Identifiers: ClinVar variation 3039114 (VCV003039114.22), dbSNP rs147262325, ClinGen allele CA5171590.

ClinVar aggregate classification (germline): Likely benign. Review status: criteria provided, multiple submitters, no conflicts (2 of 4 stars). 3 submissions from 3 submitters: Likely benign (2). 1 of the submissions does not count toward it. Last evaluated 2024-07-01.

Conditions:
ZNF462-related disorder. Also called: ZNF462-related condition; ZNF462 related disease.

Allele frequency attached by ClinVar (database versions not stated): ExAC 0.00110; gnomAD 0.00347; ESP Exome Variant Server 0.00377; TOPMed 0.00404; 1000 Genomes Project 0.00419; 1000 Genomes Project 30x 0.00484.
gnomAD v4.1: 1,047 of 1,614,144 alleles (0.065%); highest among the groups gnomAD compares: African/African-American, 1.3%; 3 homozygotes.

Submissions (3):

Blueprint Genetics
Classification: Likely benign. Last evaluated: 2024-07-01. Review status: criteria provided, single submitter. Criteria: ACMG Guidelines, 2015. Collection method: clinical testing. Allele origin: germline.

CeGaT Center for Human Genetics Tuebingen
Classification: Likely benign. Last evaluated: 2024-04-01. Review status: criteria provided, single submitter. Criteria: CeGaT Center For Human Genetics Tuebingen Variant Classification Criteria Version 2. Collection method: clinical testing. Allele origin: germline. Affected: yes. Observed: 1 variant allele.
Comment: ZNF462: BS1

PreventionGenetics, part of Exact Sciences
Classification: Benign for ZNF462-related condition. Last evaluated: 2019-03-22. Review status: no assertion criteria provided. Collection method: clinical testing. Allele origin: germline. Not counted in ClinVar's aggregate classification.
Comment: This variant is classified as benign based on ACMG/AMP sequence variant interpretation guidelines (Richards et al. 2015 PMID: 25741868, with internal and published modifications).